The following is an entry in ClinVar:

ClinVar aggregate classification (germline): Pathogenic (1 of 4 stars; one submission).

Conditions:
Hereditary cancer-predisposing syndrome. Also called: Neoplastic Syndromes, Hereditary; Tumor predisposition; Hereditary neoplastic syndrome; Hereditary Cancer Syndrome. Identifiers: Orphanet 140162, MedGen C0027672, MeSH D009386, MONDO:0015356.

Submission:

Ambry Genetics
Classification: Pathogenic for Hereditary cancer-predisposing syndrome. Last evaluated: 2023-06-05. Review status: criteria provided, single submitter. Criteria: Ambry Variant Classification Scheme 2023. Collection method: clinical testing. Allele origin: germline.
Comment: The p.R186* pathogenic mutation (also known as c.556A>T), located in coding exon 5 of the APC gene, results from an A to T substitution at nucleotide position 556. This changes the amino acid from an arginine to a stop codon within coding exon 5. This alteration is expected to result in loss of function by premature protein truncation or nonsense-mediated mRNA decay. As such, this alteration is interpreted as a disease-causing mutation.

NM_000038.6(APC):c.556A>T (p.Arg186Ter)

Gene: APC (APC regulator of Wnt signaling pathway; plus strand). Cytogenetic location: 5q22.2.
Variant type: single nucleotide variant.
Coding change: c.556A>T on transcript NM_000038.6 (MANE Select); coding-DNA position 556, A replaced by T.
Protein change: p.Arg186Ter; replaces arginine 186 with a stop codon.
Molecular consequence: nonsense. On other transcripts: 5 prime UTR variant (1).
Genome position (GRCh38, 1-based): chr5:112,780,814, A>T. VCF-style: chr5-112780814-A-T. GRCh37 (hg19) VCF-style: chr5-112116511-A-T.
Other names: c.556A>T, p.Arg186Ter (NM_001127510.3, NM_001354895.2, NM_001354896.2 and 2 more transcripts); c.586A>T, p.Arg196Ter (NM_001127511.3, NM_001354897.2, NM_001354902.2); c.481A>T, p.Arg161Ter (NM_001354898.2, NM_001354904.2); c.379A>T, p.Arg127Ter (NM_001354900.2, NM_001354901.2, NM_001354905.2); c.-480A>T (NM_001354906.2); short protein forms R161*, R127*, R196*, R186*.
Identifiers: ClinVar variation 825835 (VCV000825835.5), dbSNP rs1580379633, ClinGen allele CA16022549.
Genomic context (GRCh38, chr5:112,780,814, plus strand): 5'-AAGATATTGATACTTTTTTATTATTTGTGGTTTTAGTTTTCCTTACAAACAGATATGACC[A>T]GAAGGCAATTGGAATATGAAGCAAGGCAAATCAGAGTTGCGATGGAAGAACAACTAGGTA-3'